The following is an entry in ClinVar:

ClinVar aggregate classification (germline): Likely pathogenic (1 of 4 stars; one submission).

Conditions:
Tumor predisposition syndrome 3 (TPDS3). Also called: Melanoma, cutaneous malignant, susceptibility to, 10; Glioma susceptibility 9; LONG TELOMERE SYNDROME, POT1-RELATED; POT1 Tumor Predisposition. Identifiers: Orphanet 618, MedGen C4014476, MONDO:0014368, OMIM 615848.

Submission:

Labcorp Genetics (formerly Invitae), Labcorp
Classification: Likely pathogenic for Tumor predisposition syndrome 3. Last evaluated: 2024-04-03. Review status: criteria provided, single submitter. Criteria: Invitae Variant Classification Sherloc (09022015). Collection method: clinical testing. Allele origin: germline.
Comment: This sequence change affects an acceptor splice site in intron 16 of the POT1 gene. It is expected to disrupt RNA splicing. Variants that disrupt the donor or acceptor splice site typically lead to a loss of protein function (PMID: 16199547), and loss-of-function variants in POT1 are known to be pathogenic (PMID: 32155570). This variant is not present in population databases (gnomAD no frequency). This variant has not been reported in the literature in individuals affected with POT1-related conditions. Algorithms developed to predict the effect of sequence changes on RNA splicing suggest that this variant may disrupt the consensus splice site. In summary, the currently available evidence indicates that the variant is pathogenic, but additional data are needed to prove that conclusively. Therefore, this variant has been classified as Likely Pathogenic.

Literature cited by the submitters: PubMed 16199547; PubMed 32155570.

NM_015450.3(POT1):c.1595-2A>T

Gene: POT1 (protection of telomeres 1; minus strand). Cytogenetic location: 7q31.33.
Variant type: single nucleotide variant.
Coding change: c.1595-2A>T on transcript NM_015450.3 (MANE Select); the canonical splice acceptor site of the intron before coding-DNA position 1595, A replaced by T.
Molecular consequence: splice acceptor variant.
Genome position (GRCh38, 1-based): chr7:124,827,307, T>A on the plus strand (A>T on the coding strand, the complement: POT1 is on the minus strand). VCF-style: chr7-124827307-T-A. GRCh37 (hg19) VCF-style: chr7-124467361-T-A.
Other names: c.1202-2A>T (NM_001042594.2).
Identifiers: ClinVar variation 3638928 (VCV003638928.2).